The following is an entry in ClinVar:

NM_005612.5(REST):c.2647C>A (p.Leu883Ile)

Gene: REST (RE1 silencing transcription factor; plus strand). Cytogenetic location: 4q12.
Variant type: single nucleotide variant.
Coding change: c.2647C>A on transcript NM_005612.5 (MANE Select); coding-DNA position 2647, C replaced by A.
Protein change: p.Leu883Ile; replaces leucine 883 with isoleucine.
Molecular consequence: missense variant.
Genome position (GRCh38, 1-based): chr4:56,931,505, C>A. VCF-style: chr4-56931505-C-A. GRCh37 (hg19) VCF-style: chr4-57797671-C-A.
Other names: c.2647C>A, p.Leu883Ile (NM_001193508.2, NM_001363453.3); c.2647C>A (NM_005612.4); short protein forms L883I.
Identifiers: ClinVar variation 3636954 (VCV003636954.3).

ClinVar aggregate classification (germline): Uncertain significance. Review status: criteria provided, multiple submitters, no conflicts (2 of 4 stars). 2 submissions from 2 submitters: Uncertain significance (2). Last evaluated 2025-08-19.

Conditions:
Inborn genetic diseases. Identifiers: MedGen C0950123, MeSH D030342.

gnomAD v4.1: 8 of 1,614,182 alleles (0.0005%); highest among the groups gnomAD compares: Non-Finnish European, 0.00068%; no homozygotes.

Submissions (2):

Ambry Genetics
Classification: Uncertain significance for Inborn genetic diseases. Last evaluated: 2025-08-19. Review status: criteria provided, single submitter. Criteria: Ambry Variant Classification Scheme 2023. Collection method: clinical testing. Allele origin: germline.

Labcorp Genetics (formerly Invitae), Labcorp
Classification: Uncertain significance. Last evaluated: 2024-02-07. Review status: criteria provided, single submitter. Criteria: Invitae Variant Classification Sherloc (09022015). Collection method: clinical testing. Allele origin: germline.
Comment: This sequence change replaces leucine, which is neutral and non-polar, with isoleucine, which is neutral and non-polar, at codon 883 of the REST protein (p.Leu883Ile). This variant is present in population databases (no rsID available, gnomAD 0.004%). This variant has not been reported in the literature in individuals affected with REST-related conditions. An algorithm developed to predict the effect of missense changes on protein structure and function (PolyPhen-2) suggests that this variant is likely to be tolerated. In summary, the available evidence is currently insufficient to determine the role of this variant in disease. Therefore, it has been classified as a Variant of Uncertain Significance.